The following is an entry in ClinVar:

NM_001927.4(DES):c.520G>A (p.Ala174Thr)

Gene: DES (desmin; plus strand). Cytogenetic location: 2q35.
Variant type: single nucleotide variant.
Coding change: c.520G>A on transcript NM_001927.4 (MANE Select); coding-DNA position 520, G replaced by A.
Protein change: p.Ala174Thr; replaces alanine 174 with threonine.
Molecular consequence: missense variant. On other transcripts: intron variant (1).
Genome position (GRCh38, 1-based): chr2:219,418,982, G>A. VCF-style: chr2-219418982-G-A. GRCh37 (hg19) VCF-style: chr2-220283704-G-A.
Other names: c.520G>A, p.Ala174Thr (NM_001382708.1, NM_001382709.1, NM_001382710.1 and 2 more transcripts); c.495+25G>A (NM_001382713.1); short protein forms A174T.
Identifiers: ClinVar variation 2931478 (VCV002931478.4), dbSNP rs538229035, ClinGen allele CA350686838.

ClinVar aggregate classification (germline): Uncertain significance. Review status: criteria provided, multiple submitters, no conflicts (2 of 4 stars). 2 submissions from 2 submitters: Uncertain significance (2). Last evaluated 2024-05-03.

Conditions:
Desmin-related myofibrillar myopathy (MFM1). Also called: Desminopathy; Desmin related myopathy (former name); Desmin storage myopathy (former name); Myofibrillar myopathy 1; MYOFIBRILLAR MYOPATHY WITH ARRHYTHMOGENIC RIGHT VENTRICULAR CARDIOMYOPATHY; DESMIN-RELATED MYOPATHY WITH ARRHYTHMOGENIC RIGHT VENTRICULAR CARDIOMYOPATHY. Identifiers: Orphanet 363543, Orphanet 98909, MedGen C1832370, MONDO:0011076, OMIM 601419.

Submissions (2):

GeneDx
Classification: Uncertain significance. Last evaluated: 2024-05-03. Review status: criteria provided, single submitter. Criteria: GeneDx Variant Classification Process June 2021. Collection method: clinical testing. Allele origin: germline. Affected: yes.
Comment: Not observed at significant frequency in large population cohorts (gnomAD); In silico analysis indicates that this missense variant does not alter protein structure/function; Has not been previously published as pathogenic or benign to our knowledge

Labcorp Genetics (formerly Invitae), Labcorp
Classification: Uncertain significance for Desmin-related myofibrillar myopathy. Last evaluated: 2023-06-24. Review status: criteria provided, single submitter. Criteria: Invitae Variant Classification Sherloc (09022015). Collection method: clinical testing. Allele origin: germline.
Comment: In summary, the available evidence is currently insufficient to determine the role of this variant in disease. Therefore, it has been classified as a Variant of Uncertain Significance. Advanced modeling of protein sequence and biophysical properties (such as structural, functional, and spatial information, amino acid conservation, physicochemical variation, residue mobility, and thermodynamic stability) has been performed at Invitae for this missense variant, however the output from this modeling did not meet the statistical confidence thresholds required to predict the impact of this variant on DES protein function. This sequence change replaces alanine, which is neutral and non-polar, with threonine, which is neutral and polar, at codon 174 of the DES protein (p.Ala174Thr). This variant is not present in population databases (gnomAD no frequency). This variant has not been reported in the literature in individuals affected with DES-related conditions.